The following is an entry in ClinVar:

NM_000540.3(RYR1):c.14497C>T (p.His4833Tyr)

Gene: RYR1 (ryanodine receptor 1; plus strand). Cytogenetic location: 19q13.2.
Variant type: single nucleotide variant.
Coding change: c.14497C>T on transcript NM_000540.3 (MANE Select); coding-DNA position 14497, C replaced by T.
Protein change: p.His4833Tyr; replaces histidine 4833 with tyrosine.
Molecular consequence: missense variant.
Genome position (GRCh38, 1-based): chr19:38,580,114, C>T. VCF-style: chr19-38580114-C-T. GRCh37 (hg19) VCF-style: chr19-39070754-C-T.
Other names: NM_000540.3(RYR1):c.14497C>T; p.His4833Tyr; c.14482C>T, p.His4828Tyr (NM_001042723.2); short protein forms H4833Y, H4828Y.
Identifiers: ClinVar variation 133072 (VCV000133072.10), dbSNP rs193922876, ClinGen allele CA024158.

ClinVar aggregate classification (germline): Likely pathogenic; drug response. Review status: reviewed by expert panel (3 of 4 stars). 10 submissions from 4 submitters: Likely pathogenic (1). 2 of the submissions do not count toward it. Last evaluated 2025-08-01.

Conditions:
Malignant hyperthermia, susceptibility to, 1 (MHS1). Also called: RYR1-Related Malignant Hyperthermia Susceptibility; Malignant hyperthermia suceptibility 1; Anesthesia related hyperthermia; Malignant hyperpyrexia; Fulminating hyperpyrexia; Pharmacogenic myopathy. Identifiers: Orphanet 423, MedGen C2930980, MONDO:0007783, OMIM 145600.
succinylcholine response - Toxicity.
sevoflurane response - Toxicity.
methoxyflurane response - Toxicity.
isoflurane response - Toxicity.
halothane response - Toxicity.
enflurane response - Toxicity.
desflurane response - Toxicity.

Submissions (10):

ClinGen Malignant Hyperthermia Susceptibility Variant Curation Expert Panel, ClinGen
Classification: Likely pathogenic for Malignant hyperthermia, susceptibility to, 1. Last evaluated: 2025-08-01. Review status: reviewed by expert panel. Criteria: ClinGen MHS ACMG Specifications V2. Collection method: curation. Allele origin: germline. Inheritance: Autosomal dominant inheritance.
Comment: This pathogenicity assessment is relevant only for malignant hyperthermia susceptibility (MHS) inherited in an autosomal dominant pattern. Variants in RYR1 can also cause other myopathies inherited in an autosomal dominant pattern or in an autosomal recessive pattern. Some of these disorders may predispose individuals to malignant hyperthermia. RYR1 variants may also contribute to a malignant hyperthermia reaction in combination with other genetic and non-genetic factors and the clinician needs to consider such factors in making management decisions. This sequence variant predicts a substitution of histidine with tyrosine at codon 4822 of the RYR1 protein, p.(His4833Tyr). This variant was not present in a large population database (gnomAD) at the time this variant was interpreted. This variant has been reported in two unrelated individuals who have a personal or family history of a malignant hyperthermia reaction, both of these individuals had a positive in vitro contracture test (IVCT) or caffeine halothane contracture test (CHCT) result (if the proband was unavailable for testing, a positive diagnostic test result in a mutation-positive relative was counted), PS4_Moderate (PMID: 18212565). This variant segregates with MHS in five individuals, PP1_Moderate (PMID: 18212565). A functional study in HEK293 cells shows an increased sensitivity to RYR1 agonists, PS3_Moderate (PMID: 20461000). This variant resides in a region of RYR1 considered to be a hotspot for pathogenic variants that contribute to MHS, PM1_Sup (PMID: 21118704). A REVEL score >0.85 (0.975) supports a pathogenic status for this variant, PP3_Moderate. This variant has been classified as Likely Pathogenic. Criteria implemented: PS3_Moderate, PS4_Moderate, PM1_Supporting, PP1_Moderate, PP3_Moderate.

ClinPGx
Classification: drug response for halothane response - Toxicity. Last evaluated: 2021-03-24. Review status: reviewed by expert panel. Criteria: Pharmacogenomics knowledge for personalized medicine. Collection method: curation. Allele origin: germline. Affected: yes.
Comment: PharmGKB Level of Evidence 1A: Level 1A clinical annotations describe variant-drug combinations that have variant-specific prescribing guidance available in a current clinical guideline annotation or an FDA-approved drug label annotation. Annotations of drug labels or clinical guidelines must give prescribing guidance for specific variants (e.g. CYP2C9*3, HLA-B*57:01) or provide mapping from defined allele functions to diplotypes and phenotypes to be used as supporting evidence for a level 1A clinical annotation. Level 1A clinical annotations must also be supported by at least one publication in addition to a clinical guideline or drug label with variant-specific prescribing guidance.

Drug is not necessarily used to treat response condition

ClinPGx
Classification: drug response for isoflurane response - Toxicity. Last evaluated: 2021-03-24. Review status: reviewed by expert panel. Criteria: Pharmacogenomics knowledge for personalized medicine. Collection method: curation. Allele origin: germline. Affected: yes.
Comment: the same text as in the submission from ClinPGx above.

ClinPGx
Classification: drug response for methoxyflurane response - Toxicity. Last evaluated: 2021-03-24. Review status: reviewed by expert panel. Criteria: Pharmacogenomics knowledge for personalized medicine. Collection method: curation. Allele origin: germline. Affected: yes.
Comment: the same text as in the submission from ClinPGx above.

ClinPGx
Classification: drug response for sevoflurane response - Toxicity. Last evaluated: 2021-03-24. Review status: reviewed by expert panel. Criteria: Pharmacogenomics knowledge for personalized medicine. Collection method: curation. Allele origin: germline. Affected: yes.
Comment: the same text as in the submission from ClinPGx above.

ClinPGx
Classification: drug response for succinylcholine response - Toxicity. Last evaluated: 2021-03-24. Review status: reviewed by expert panel. Criteria: Pharmacogenomics knowledge for personalized medicine. Collection method: curation. Allele origin: germline. Affected: yes.
Comment: the same text as in the submission from ClinPGx above.

ClinPGx
Classification: drug response for desflurane response - Toxicity. Last evaluated: 2021-03-24. Review status: reviewed by expert panel. Criteria: Pharmacogenomics knowledge for personalized medicine. Collection method: curation. Allele origin: germline. Affected: yes.
Comment: the same text as in the submission from ClinPGx above.

ClinPGx
Classification: drug response for enflurane response - Toxicity. Last evaluated: 2021-03-24. Review status: reviewed by expert panel. Criteria: Pharmacogenomics knowledge for personalized medicine. Collection method: curation. Allele origin: germline. Affected: yes.
Comment: the same text as in the submission from ClinPGx above.

Molecular Genetics, Royal Melbourne Hospital
Classification: Pathogenic for Malignant hyperthermia, susceptibility to, 1. Last evaluated: 2023-03-30. Review status: criteria provided, single submitter. Criteria: ACMG Guidelines, 2015. Collection method: clinical testing. Allele origin: germline. Affected: yes. Not counted in ClinVar's aggregate classification.
Comment: This sequence change is predicted to replace histidine with tyrosine at codon 4833 in exon 100 of the RYR1 protein, p.(His4833Tyr). The histidine residue is evolutionarily conserved (100 vertebrates, UCSC), and is located in the RYR1 channel and activation core. There is a moderate physicochemical difference between histidine and tyrosine. The variant is absent in a large population cohort (gnomAD v2.1 and v3.1). The variant is a European malignant hyperthermia group (EMHG) diagnostic variant. The variant has been identified in individuals with a clinical reaction consistent with malignant hyperthermia (MH) under anaesthesia and confirmed by positive in vitro contracture tests (PMID: 18212565), and segregates with MH susceptibility in at least two large families (PMID: 18212565). Well-established in vitro functional studies of the variant are supportive of a gain of function effect on intracellular calcium release (PMID: 18212565, 20461000). Multiple lines of computational evidence predict a deleterious effect for the missense substitution (5/5 algorithms). Based on the classification scheme RMH Modified ACMG Guidelines v1.3.1, this variant is classified as PATHOGENIC. Following criteria are met: PS3, PP1_Strong, PM2_Supporting, PP3, PP4.

RYR1 database
No classification provided. Review status: no classification provided. Collection method: not provided. Allele origin: unknown. Not counted in ClinVar's aggregate classification.

Literature cited by the submitters: PubMed 18212565 (cited by ClinPGx and Molecular Genetics, Royal Melbourne Hospital); PubMed 20461000 (cited by Molecular Genetics, Royal Melbourne Hospital).